The following is an entry in ClinVar:

NM_002519.3(NPAT):c.3352G>A (p.Glu1118Lys)

Gene: NPAT (nuclear protein, coactivator of histone transcription; minus strand). Cytogenetic location: 11q22.3.
Variant type: single nucleotide variant.
Coding change: c.3352G>A on transcript NM_002519.3 (MANE Select); coding-DNA position 3352, G replaced by A.
Protein change: p.Glu1118Lys; replaces glutamic acid 1118 with lysine.
Molecular consequence: missense variant.
Genome position (GRCh38, 1-based): chr11:108,161,734, C>T on the plus strand (G>A on the coding strand, the complement: NPAT is on the minus strand). VCF-style: chr11-108161734-C-T. GRCh37 (hg19) VCF-style: chr11-108032461-C-T.
Other names: c.3373G>A, p.Glu1125Lys (NM_001321307.1); short protein forms E1118K, E1125K.
Identifiers: ClinVar variation 3407251 (VCV003407251.1).

ClinVar aggregate classification (germline): Uncertain significance (1 of 4 stars; one submission).

Submission:

Ambry Genetics
Classification: Uncertain significance. Last evaluated: 2024-10-23. Review status: criteria provided, single submitter. Criteria: Ambry Variant Classification Scheme 2023. Collection method: clinical testing. Allele origin: germline.
Comment: The p.E1118K variant (also known as c.3352G>A), located in coding exon 17 of the NPAT gene, results from a G to A substitution at nucleotide position 3352. The glutamic acid at codon 1118 is replaced by lysine, an amino acid with similar properties. This amino acid position is conserved. In addition, this alteration is predicted to be tolerated by in silico analysis. Based on the available evidence, the clinical significance of this variant remains unclear.